The following is an entry in ClinVar:

ClinVar aggregate classification (germline): Uncertain significance (1 of 4 stars; one submission).

Submission:

GeneDx
Classification: Uncertain significance. Last evaluated: 2020-06-30. Review status: criteria provided, single submitter. Criteria: GeneDx Variant Classification Process June 2021. Collection method: clinical testing. Allele origin: germline. Affected: yes.
Comment: Not observed in large population cohorts (Lek et al., 2016); In silico analysis supports that this missense variant has a deleterious effect on protein structure/function; Has not been previously published as pathogenic or benign to our knowledge

NM_021120.4(DLG3):c.1475G>A (p.Gly492Glu)

Gene: DLG3 (discs large MAGUK scaffold protein 3; plus strand). Cytogenetic location: Xq13.1.
Variant type: single nucleotide variant.
Coding change: c.1475G>A on transcript NM_021120.4 (MANE Select); coding-DNA position 1475, G replaced by A.
Protein change: p.Gly492Glu; replaces glycine 492 with glutamic acid.
Molecular consequence: missense variant.
Genome position (GRCh38, 1-based): chrX:70,479,219, G>A. VCF-style: chrX-70479219-G-A. GRCh37 (hg19) VCF-style: chrX-69699069-G-A.
Other names: c.26G>A, p.Gly9Glu (NM_001166278.2); c.464G>A, p.Gly155Glu (NM_020730.3); short protein forms G155E, G492E, G9E.
Identifiers: ClinVar variation 1312749 (VCV001312749.2), dbSNP rs2147842219, ClinGen allele CA413457271.
Genomic context (GRCh38, chrX:70,479,219, plus strand): 5'-GCTTTGAATCGAAGATACATGACTTACGAGAACAAATGATGAACAGCAGCATGAGCTCTG[G>A]GTCTGGGTCCCTCCGAACAAGTGAAAAGAGGTCCTTGTATGTCAGGTAAGTTGCCCTTCA-3'
Protein context (NP_066943.2, residues 482-502): EQMMNSSMSS[Gly492Glu]SGSLRTSEKR